The following is an entry in ClinVar:

ClinVar aggregate classification (germline): Conflicting classifications of pathogenicity. Review status: criteria provided, conflicting classifications (1 of 4 stars). 4 submissions from 4 submitters: Uncertain significance (3); Likely benign (1). Last evaluated 2024-12-26.

Conditions:
Hereditary cancer-predisposing syndrome. Also called: Hereditary neoplastic syndrome; Neoplastic Syndromes, Hereditary; Tumor predisposition; Hereditary Cancer Syndrome. Identifiers: Orphanet 140162, MedGen C0027672, MeSH D009386, MONDO:0015356.
Familial cancer of breast. Also called: BREAST CANCER, FAMILIAL; Hereditary breast cancer; hereditary breast carcinoma. Identifiers: Orphanet 227535, MedGen C0346153, MONDO:0016419, OMIM 114480. Disease mechanism: loss of function.

Allele frequency attached by ClinVar (database versions not stated): gnomAD exomes below 0.00001.
gnomAD v4.1: 1 of 1,614,228 alleles (0.000062%); highest among the groups gnomAD compares: Non-Finnish European, 0.000085%; no homozygotes.

Submissions (4):

Labcorp Genetics (formerly Invitae), Labcorp
Classification: Uncertain significance for Familial cancer of breast. Last evaluated: 2024-12-26. Review status: criteria provided, single submitter. Criteria: Invitae Variant Classification Sherloc (09022015). Collection method: clinical testing. Allele origin: germline.
Comment: This sequence change replaces isoleucine, which is neutral and non-polar, with leucine, which is neutral and non-polar, at codon 888 of the PALB2 protein (p.Ile888Leu). This variant is not present in population databases (gnomAD no frequency). This variant has not been reported in the literature in individuals affected with PALB2-related conditions. ClinVar contains an entry for this variant (Variation ID: 185801). Invitae Evidence Modeling of protein sequence and biophysical properties (such as structural, functional, and spatial information, amino acid conservation, physicochemical variation, residue mobility, and thermodynamic stability) indicates that this missense variant is not expected to disrupt PALB2 protein function with a negative predictive value of 80%. In summary, the available evidence is currently insufficient to determine the role of this variant in disease. Therefore, it has been classified as a Variant of Uncertain Significance.

Color Diagnostics, LLC DBA Color Health
Classification: Uncertain significance for Hereditary cancer-predisposing syndrome. Last evaluated: 2024-03-06. Review status: criteria provided, single submitter. Criteria: ACMG Guidelines, 2015. Collection method: clinical testing. Allele origin: germline.
Comment: This missense variant replaces isoleucine with leucine at codon 888 of the PALB2 protein. Computational prediction suggests that this variant may not impact protein structure and function (internally defined REVEL score threshold <= 0.5, PMID: 27666373). To our knowledge, functional studies have not been reported for this variant. This variant has not been reported in individuals affected with hereditary cancer in the literature. This variant has not been identified in the general population by the Genome Aggregation Database (gnomAD). The available evidence is insufficient to determine the role of this variant in disease conclusively. Therefore, this variant is classified as a Variant of Uncertain Significance.

Ambry Genetics
Classification: Likely benign for Hereditary cancer-predisposing syndrome. Last evaluated: 2024-02-01. Review status: criteria provided, single submitter. Criteria: Ambry Variant Classification Scheme 2023. Collection method: clinical testing. Allele origin: germline.

GeneDx
Classification: Uncertain significance. Last evaluated: 2022-03-13. Review status: criteria provided, single submitter. Criteria: GeneDx Variant Classification Process June 2021. Collection method: clinical testing. Allele origin: germline. Affected: yes.
Comment: Not observed at significant frequency in large population cohorts (gnomAD); In silico analysis supports that this missense variant does not alter protein structure/function; Has not been previously published as pathogenic or benign to our knowledge; This variant is associated with the following publications: (PMID: 24485656, 19609323, 20871615)

NM_024675.4(PALB2):c.2662A>T (p.Ile888Leu)

Gene: PALB2 (partner and localizer of BRCA2; minus strand). Cytogenetic location: 16p12.2.
Variant type: single nucleotide variant.
Coding change: c.2662A>T on transcript NM_024675.4 (MANE Select); coding-DNA position 2662, A replaced by T.
Protein change: p.Ile888Leu; replaces isoleucine 888 with leucine.
Molecular consequence: missense variant.
Genome position (GRCh38, 1-based): chr16:23,626,322, T>A on the plus strand (A>T on the coding strand, the complement: PALB2 is on the minus strand). VCF-style: chr16-23626322-T-A. GRCh37 (hg19) VCF-style: chr16-23637643-T-A.
Other names: short protein forms I888L.
Identifiers: ClinVar variation 185801 (VCV000185801.21), dbSNP rs786202468, ClinGen allele CA192991.
Genomic context (GRCh38, chr16:23,626,322, plus strand): 5'-TTTCCCACTGCCAAGCATCCAGAGCTTTCCAAAGAGAAACTACATCTTCGCAAGCAGTTA[T>A]GATACATGGCTCTTTACAACCGGCTCTTTCCCAAAACATGGCACTCACATCTACGGAACA-3'
Protein context (NP_078951.2, residues 878-898): ERAGCKEPCI[Ile888Leu]TACEDVVSLW